The following is an entry in ClinVar:

ClinVar aggregate classification (germline): Conflicting classifications of pathogenicity. Review status: criteria provided, conflicting classifications (1 of 4 stars). 2 submissions from 2 submitters: Uncertain significance (1); Likely benign (1). Last evaluated 2024-11-04.

Conditions:
Dilated cardiomyopathy 1DD (CMD1DD). Identifiers: Orphanet 154, MedGen C2750995, MONDO:0013168, OMIM 613172.

Allele frequency attached by ClinVar (database versions not stated): gnomAD exomes below 0.00001 and 0.00002; gnomAD 0.00001; 1000 Genomes Project 30x 0.00016.
gnomAD v4.1: 7 of 1,550,774 alleles (0.00045%); highest among the groups gnomAD compares: East Asian, 0.015%; no homozygotes.

Submissions (2):

Labcorp Genetics (formerly Invitae), Labcorp
Classification: Likely benign for Dilated cardiomyopathy 1DD. Last evaluated: 2024-11-04. Review status: criteria provided, single submitter. Criteria: Invitae Variant Classification Sherloc (09022015). Collection method: clinical testing. Allele origin: germline.

Laboratory for Molecular Medicine, Mass General Brigham Personalized Medicine
Classification: Uncertain significance. Last evaluated: 2015-12-18. Review status: criteria provided, single submitter. Criteria: LMM Criteria. Collection method: clinical testing. Allele origin: germline. Observed: 1 variant allele.
Comment: The p.Phe443Leu variant in RBM20 has not been previously reported in individuals with cardiomyopathy and was absent from large population studies. Computational prediction tools and conservation analysis suggest that the p.Phe443Leu variant may not impact the protein, though this information is not predictive enough to rule out pathogenicity. In summary, the clinical significance of the p.Phe443Le u variant is uncertain.

NM_001134363.3(RBM20):c.1329C>G (p.Phe443Leu)

Gene: RBM20 (RNA binding motif protein 20; plus strand). Cytogenetic location: 10q25.2.
Variant type: single nucleotide variant.
Coding change: c.1329C>G on transcript NM_001134363.3 (MANE Select); coding-DNA position 1329, C replaced by G.
Protein change: p.Phe443Leu; replaces phenylalanine 443 with leucine.
Molecular consequence: missense variant.
Genome position (GRCh38, 1-based): chr10:110,783,419, C>G. VCF-style: chr10-110783419-C-G. GRCh37 (hg19) VCF-style: chr10-112543177-C-G.
Other names: short protein forms F443L.
Identifiers: ClinVar variation 229183 (VCV000229183.10), dbSNP rs876657972, ClinGen allele CA10576762.